The following is an entry in ClinVar:

NM_001164508.2(NEB):c.23477A>G (p.Asn7826Ser)

Genes: NEB (nebulin; minus strand), RIF1 (replication timing regulatory factor 1; plus strand). Cytogenetic location: 2q23.3.
Variant type: single nucleotide variant.
Coding change: c.23477A>G on transcript NM_001164508.2 (MANE Select); coding-DNA position 23477, A replaced by G.
Protein change: p.Asn7826Ser; replaces asparagine 7826 with serine.
Molecular consequence: missense variant.
Genome position (GRCh38, 1-based): chr2:151,506,988, T>C on the plus strand (A>G on the coding strand, the complement: NEB is on the minus strand). VCF-style: chr2-151506988-T-C. GRCh37 (hg19) VCF-style: chr2-152363502-T-C.
Other names: c.23477A>G, p.Asn7826Ser (NM_001164507.2); c.23582A>G, p.Asn7861Ser (NM_001271208.2); c.18374A>G, p.Asn6125Ser (NM_004543.5); short protein forms N7861S, N6125S, N7826S.
Identifiers: ClinVar variation 450098 (VCV000450098.28), dbSNP rs143602832, ClinGen allele CA1906341.

ClinVar aggregate classification (germline): Conflicting classifications of pathogenicity. Review status: criteria provided, conflicting classifications (1 of 4 stars). 8 submissions from 8 submitters: Uncertain significance (3); Likely benign (3). 2 of the submissions do not count toward it. Last evaluated 2026-01-28.

Conditions:
Nemaline myopathy 2 (NEM2). Also called: Nemaline myopathy 2, autosomal recessive. Identifiers: MedGen C1850569, MONDO:0009725, OMIM 256030.
NEB-related disorder. Also called: NEB-related condition; NEB-Related Disorders.
Inborn genetic diseases. Identifiers: MedGen C0950123, MeSH D030342.

Allele frequency attached by ClinVar (database versions not stated): gnomAD exomes 0.00014 and 0.00032; ExAC 0.00041; 1000 Genomes Project 0.00120; 1000 Genomes Project 30x 0.00125; TOPMed 0.00163; gnomAD 0.00167 and 0.00177; ESP Exome Variant Server 0.00229.
gnomAD v4.1: 474 of 1,606,856 alleles (0.029%); highest among the groups gnomAD compares: African/African-American, 0.57%; 2 homozygotes.

Submissions (8):

Labcorp Genetics (formerly Invitae), Labcorp
Classification: Likely benign for Nemaline myopathy 2. Last evaluated: 2026-01-28. Review status: criteria provided, single submitter. Criteria: Invitae Variant Classification Sherloc (09022015). Collection method: clinical testing. Allele origin: germline.

Ambry Genetics
Classification: Uncertain significance for Inborn genetic diseases. Last evaluated: 2024-09-26. Review status: criteria provided, single submitter. Criteria: Ambry Variant Classification Scheme 2023. Collection method: clinical testing. Allele origin: germline.

Revvity Omics, Revvity
Classification: Likely benign. Last evaluated: 2023-04-18. Review status: criteria provided, single submitter. Criteria: ACMG Guidelines, 2015. Collection method: clinical testing. Allele origin: germline.

Baylor Genetics
Classification: Uncertain significance for Nemaline myopathy 2. Last evaluated: 2018-12-29. Review status: criteria provided, single submitter. Criteria: ACMG Guidelines, 2015. Collection method: clinical testing. Allele origin: unknown. Affected: yes.
Comment: This variant was determined to be of uncertain significance according to ACMG Guidelines, 2015 [PMID:25741868].

GeneDx
Classification: Likely benign. Last evaluated: 2018-05-21. Review status: criteria provided, single submitter. Criteria: GeneDx Variant Classification Process June 2021. Collection method: clinical testing. Allele origin: germline. Affected: yes.

Illumina Laboratory Services, Illumina
Classification: Uncertain significance for Nemaline myopathy 2. Last evaluated: 2018-01-13. Review status: criteria provided, single submitter. Criteria: ICSL Variant Classification Criteria 13 December 2019. Collection method: clinical testing. Allele origin: germline.

PreventionGenetics, part of Exact Sciences
Classification: Likely benign for NEB-related condition. Last evaluated: 2020-06-08. Review status: no assertion criteria provided. Collection method: clinical testing. Allele origin: germline. Not counted in ClinVar's aggregate classification.
Comment: This variant is classified as likely benign based on ACMG/AMP sequence variant interpretation guidelines (Richards et al. 2015 PMID: 25741868, with internal and published modifications).

Natera, Inc.
Classification: Uncertain significance for Nemaline myopathy type 2. Last evaluated: 2019-11-11. Review status: no assertion criteria provided. Collection method: clinical testing. Allele origin: germline. Not counted in ClinVar's aggregate classification.